The following is an entry in ClinVar:

ClinVar aggregate classification (germline): Likely pathogenic (1 of 4 stars; one submission).

Submission:

GeneDx
Classification: Likely pathogenic. Last evaluated: 2022-10-21. Review status: criteria provided, single submitter. Criteria: GeneDx Variant Classification Process June 2021. Collection method: clinical testing. Allele origin: germline. Affected: yes.
Comment: Identified in a patient with nephrotic syndrome in published literature; additional clinical information was not provided (Nair et al., 2018); Not observed at significant frequency in large population cohorts (gnomAD); In silico analysis supports that this missense variant has a deleterious effect on protein structure/function; In silico analysis is inconclusive as to whether the variant alters gene splicing. In the absence of RNA/functional studies, the actual effect of this sequence change is unknown.; This variant is associated with the following publications: (PMID: 30293248, 17361230)

NM_024426.6(WT1):c.1265G>T (p.Gly422Val)

Gene: WT1 (WT1 transcription factor; minus strand). Cytogenetic location: 11p13.
Variant type: single nucleotide variant.
Coding change: c.1265G>T on transcript NM_024426.6 (MANE Select); coding-DNA position 1265, G replaced by T.
Protein change: p.Gly422Val; replaces glycine 422 with valine.
Molecular consequence: missense variant. On other transcripts: non-coding transcript variant (1).
Genome position (GRCh38, 1-based): chr11:32,392,755, C>A on the plus strand (G>T on the coding strand, the complement: WT1 is on the minus strand). VCF-style: chr11-32392755-C-A. GRCh37 (hg19) VCF-style: chr11-32414301-C-A.
Other names: c.1214G>T, p.Gly405Val (NM_000378.6, NM_001407045.1, NM_001407049.1); c.503G>T, p.Gly168Val (NM_001407051.1); c.1265G>T, p.Gly422Val (NM_024424.5, NM_001407046.1); c.1199G>T, p.Gly400Val (NM_024425.2); c.614G>T, p.Gly205Val (NM_001198551.2); c.563G>T, p.Gly188Val (NM_001198552.2); c.77G>T, p.Gly26Val (NM_001367854.1); c.1259G>T, p.Gly420Val (NM_001407044.1); and 2 more; short protein forms G205V, G422V, G405V, G188V, G26V, G364V, G420V, G400V.
Identifiers: ClinVar variation 222890 (VCV000222890.3), dbSNP rs869025561, ClinGen allele CA351790.